The following is an entry in ClinVar:

ClinVar aggregate classification (germline): Pathogenic. Review status: criteria provided, multiple submitters, no conflicts (2 of 4 stars). 5 submissions from 5 submitters: Pathogenic (5). Last evaluated 2026-04-01.

Conditions:
Familial focal epilepsy with variable foci (FPEVF). Identifiers: Orphanet 98820, MedGen C1858477, MONDO:0020310.
Epilepsy, familial focal, with variable foci 1 (FFEVF1). Also called: DEPDC5-Related Epilepsy. Identifiers: MedGen C4551983, MONDO:0024556, OMIM 604364.

Allele frequency attached by ClinVar (database versions not stated): TOPMed below 0.00001; gnomAD 0.00001.
gnomAD v4.1: 1 of 1,613,364 alleles (0.000062%); highest among the groups gnomAD compares: Non-Finnish European, 0.000085%; no homozygotes.

Submissions (5):

CeGaT Center for Human Genetics Tuebingen
Classification: Pathogenic. Last evaluated: 2026-04-01. Review status: criteria provided, single submitter. Criteria: CeGaT Center For Human Genetics Tuebingen Variant Classification Criteria Version 2. Collection method: clinical testing. Allele origin: germline. Affected: yes. Observed: 1 variant allele.
Comment: DEPDC5: PVS1, PM2

3billion
Classification: Pathogenic for Epilepsy, familial focal, with variable foci 1. Last evaluated: 2026-01-19. Review status: criteria provided, single submitter. Criteria: ACMG Guidelines, 2015. Collection method: clinical testing. Allele origin: germline. Affected: yes.
Comment: The variant is observed at an extremely low frequency in the gnomAD v4.1.0 dataset (total allele frequency: <0.001%). Predicted Consequence/Location: Stop-gained (nonsense): predicted to result in a loss or disruption of normal protein function through nonsense-mediated decay (NMD) or protein truncation. Multiple pathogenic variants are reported downstream of the variant. The variant has been reported at least twice as pathogenic without evidence for the classification (ClinVar ID: VCV001427607). Therefore, this variant is classified as Pathogenic according to the recommendation of ACMG/AMP guideline.

GeneDx
Classification: Pathogenic. Last evaluated: 2025-03-04. Review status: criteria provided, single submitter. Criteria: GeneDx Variant Classification Process June 2021. Collection method: clinical testing. Allele origin: germline. Affected: yes.
Comment: Nonsense variant predicted to result in protein truncation or nonsense mediated decay in a gene for which loss of function is a known mechanism of disease; Not observed at significant frequency in large population cohorts (gnomAD); Has not been previously published as pathogenic or benign to our knowledge

Genomic Medicine Center of Excellence, King Faisal Specialist Hospital and Research Centre
Classification: Pathogenic for Epilepsy, familial focal, with variable foci 1. Last evaluated: 2024-12-19. Review status: criteria provided, single submitter. Criteria: ACMG Guidelines, 2015. Collection method: clinical testing. Allele origin: germline.

Labcorp Genetics (formerly Invitae), Labcorp
Classification: Pathogenic for Familial focal epilepsy with variable foci. Last evaluated: 2024-03-21. Review status: criteria provided, single submitter. Criteria: Invitae Variant Classification Sherloc (09022015). Collection method: clinical testing. Allele origin: germline.
Comment: This sequence change creates a premature translational stop signal (p.Arg1468*) in the DEPDC5 gene. It is expected to result in an absent or disrupted protein product. Loss-of-function variants in DEPDC5 are known to be pathogenic (PMID: 23542697, 23542701). This variant is not present in population databases (gnomAD no frequency). This variant has not been reported in the literature in individuals affected with DEPDC5-related conditions. ClinVar contains an entry for this variant (Variation ID: 1427607). For these reasons, this variant has been classified as Pathogenic.

Literature cited by the submitters: PubMed 23542697 (cited by Labcorp Genetics (formerly Invitae), Labcorp); PubMed 23542701 (cited by Labcorp Genetics (formerly Invitae), Labcorp).

NM_001242896.3(DEPDC5):c.4402C>T (p.Arg1468Ter)

Gene: DEPDC5 (DEP domain containing 5, GATOR1 subcomplex subunit; plus strand). Cytogenetic location: 22q12.3.
Variant type: single nucleotide variant.
Coding change: c.4402C>T on transcript NM_001242896.3 (MANE Select); coding-DNA position 4402, C replaced by T.
Protein change: p.Arg1468Ter; replaces arginine 1468 with a stop codon.
Molecular consequence: nonsense. On other transcripts: non-coding transcript variant (5).
Genome position (GRCh38, 1-based): chr22:31,901,768, C>T. VCF-style: chr22-31901768-C-T. GRCh37 (hg19) VCF-style: chr22-32297754-C-T.
Other names: c.4375C>T, p.Arg1459Ter (NM_001136029.4); c.4102C>T, p.Arg1368Ter (NM_001242897.2); c.4336C>T, p.Arg1446Ter (NM_001363852.2, NM_001364320.2); c.4168C>T, p.Arg1390Ter (NM_001363854.2, NM_001364319.2); c.4402C>T, p.Arg1468Ter (NM_001364318.2); c.4318C>T, p.Arg1440Ter (NM_001369901.1, NM_001369902.1); c.4309C>T, p.Arg1437Ter (NM_001369903.1, NM_014662.6); c.4402C>T (NM_001242896.1); short protein forms R1459*, R1390*, R1437*, R1368*, R1440*, R1468*, R1446*.
Identifiers: ClinVar variation 1427607 (VCV001427607.11), dbSNP rs1016477183, ClinGen allele CA323353979.